The following is an entry in ClinVar:

NM_001873.4(CPE):c.600G>A (p.Val200=)

Gene: CPE (carboxypeptidase E; plus strand). Cytogenetic location: 4q32.3.
Variant type: single nucleotide variant.
Coding change: c.600G>A on transcript NM_001873.4 (MANE Select); coding-DNA position 600, G replaced by A.
Protein change: p.Val200=; no amino-acid change (valine 200 retained).
Molecular consequence: synonymous variant.
Genome position (GRCh38, 1-based): chr4:165,467,783, G>A. VCF-style: chr4-165467783-G-A. GRCh37 (hg19) VCF-style: chr4-166388935-G-A.
Identifiers: ClinVar variation 3051295 (VCV003051295.3), dbSNP rs368903815, ClinGen allele CA3130215.
Genomic context (GRCh38, chr4:165,467,783, plus strand): 5'-CAATGCCCAGGGAATAGATCTGAACCGGAACTTTCCAGACCTGGATAGGATAGTGTACGT[G>A]AATGAGAAAGAAGGTGGTCCAAATAATCATCTGTTGAAAAATATGAAGAAAATTGTGGAT-3'
Protein context (NP_001864.1, residues 190-210): NFPDLDRIVY[Val200=]NEKEGGPNNH

ClinVar aggregate classification (germline): Likely benign. Review status: criteria provided, single submitter (1 of 4 stars). 2 submissions from 2 submitters: Likely benign (1). 1 of the submissions does not count toward it. Last evaluated 2024-03-16.

Conditions:
CPE-related disorder. Also called: CPE-related condition.

Allele frequency attached by ClinVar (database versions not stated): gnomAD 0.00003; TOPMed 0.00007; ESP Exome Variant Server 0.00008; ExAC 0.00016.
gnomAD v4.1: 182 of 1,613,670 alleles (0.011%); highest among the groups gnomAD compares: Non-Finnish European, 0.014%; no homozygotes.

Submissions (2):

Blueprint Genetics
Classification: Likely benign. Last evaluated: 2024-03-16. Review status: criteria provided, single submitter. Criteria: ACMG Guidelines, 2015. Collection method: clinical testing. Allele origin: germline.

PreventionGenetics, part of Exact Sciences
Classification: Likely benign for CPE-related condition. Last evaluated: 2021-05-17. Review status: no assertion criteria provided. Collection method: clinical testing. Allele origin: germline. Not counted in ClinVar's aggregate classification.
Comment: This variant is classified as likely benign based on ACMG/AMP sequence variant interpretation guidelines (Richards et al. 2015 PMID: 25741868, with internal and published modifications).